The following is an entry in ClinVar:

ClinVar aggregate classification (germline): Uncertain significance (1 of 4 stars; one submission).

Conditions:
Familial cold autoinflammatory syndrome 3 (FCAS3). Also called: ANTIBODY DEFICIENCY AND IMMUNE DYSREGULATION, PLCG2-ASSOCIATED; FAMILIAL ATYPICAL COLD URTICARIA. Identifiers: Orphanet 300359, MedGen C3280914, MONDO:0013766, OMIM 614468.

Submission:

Labcorp Genetics (formerly Invitae), Labcorp
Classification: Uncertain significance for Familial cold autoinflammatory syndrome 3. Last evaluated: 2023-01-06. Review status: criteria provided, single submitter. Criteria: Invitae Variant Classification Sherloc (09022015). Collection method: clinical testing. Allele origin: germline.
Comment: This variant has not been reported in the literature in individuals affected with PLCG2-related conditions. In summary, the available evidence is currently insufficient to determine the role of this variant in disease. Therefore, it has been classified as a Variant of Uncertain Significance. Algorithms developed to predict the effect of missense changes on protein structure and function are either unavailable or do not agree on the potential impact of this missense change (SIFT: "Tolerated"; PolyPhen-2: "Possibly Damaging"; Align-GVGD: "Class C0"). This variant is not present in population databases (gnomAD no frequency). This sequence change replaces leucine, which is neutral and non-polar, with phenylalanine, which is neutral and non-polar, at codon 204 of the PLCG2 protein (p.Leu204Phe).

NM_002661.5(PLCG2):c.610C>T (p.Leu204Phe)

Gene: PLCG2 (phospholipase C gamma 2; plus strand). Cytogenetic location: 16q23.3.
Variant type: single nucleotide variant.
Coding change: c.610C>T on transcript NM_002661.5 (MANE Select); coding-DNA position 610, C replaced by T.
Protein change: p.Leu204Phe; replaces leucine 204 with phenylalanine.
Molecular consequence: missense variant.
Genome position (GRCh38, 1-based): chr16:81,870,897, C>T. VCF-style: chr16-81870897-C-T. GRCh37 (hg19) VCF-style: chr16-81904502-C-T.
Other names: c.610C>T, p.Leu204Phe (NM_001425749.1, NM_001425750.1, NM_001425751.1); short protein forms L204F.
Identifiers: ClinVar variation 2808737 (VCV002808737.3), dbSNP rs2507557416, ClinGen allele CA396903322.